The following is an entry in ClinVar:

NM_000426.4(LAMA2):c.6433A>T (p.Lys2145Ter)

Gene: LAMA2 (laminin subunit alpha 2; plus strand). Cytogenetic location: 6q22.33.
Variant type: single nucleotide variant.
Coding change: c.6433A>T on transcript NM_000426.4 (MANE Select); coding-DNA position 6433, A replaced by T.
Protein change: p.Lys2145Ter; replaces lysine 2145 with a stop codon.
Molecular consequence: nonsense.
Genome position (GRCh38, 1-based): chr6:129,452,991, A>T. VCF-style: chr6-129452991-A-T. GRCh37 (hg19) VCF-style: chr6-129774136-A-T.
Other names: c.6433A>T, p.Lys2145Ter (NM_001079823.2); short protein forms K2145*.
Identifiers: ClinVar variation 5006964 (VCV005006964.2).

ClinVar aggregate classification (germline): Pathogenic (1 of 4 stars; one submission).

Conditions:
Merosin deficient congenital muscular dystrophy (MDC1A). Also called: Congenital merosin-deficient muscular dystrophy 1A; Congenital Muscular Dystrophy Type 1A (MDC1A). Identifiers: Orphanet 258, MedGen C1263858, MONDO:0011925, OMIM 607855.

Submission:

Juno Genomics, Hangzhou Juno Genomics, Inc
Classification: Pathogenic for Merosin deficient congenital muscular dystrophy. Review status: criteria provided, single submitter. Criteria: ACMG Guidelines, 2015. Collection method: clinical testing. Allele origin: germline.
Comment: Absent from controls (or at extremely low frequency if recessive) in Genome Aggregation Database.;Null variant in a gene where loss of function (LOF) is a known mechanism of disease.;For recessive disorders, detected in trans with a pathogenic variant.